The following is an entry in ClinVar:

NM_022725.4(FANCF):c.795C>A (p.Ser265Arg)

Gene: FANCF (FA complementation group F; minus strand). Cytogenetic location: 11p14.3.
Variant type: single nucleotide variant.
Coding change: c.795C>A on transcript NM_022725.4 (MANE Select); coding-DNA position 795, C replaced by A.
Protein change: p.Ser265Arg; replaces serine 265 with arginine.
Molecular consequence: missense variant.
Genome position (GRCh38, 1-based): chr11:22,625,016, G>T on the plus strand (C>A on the coding strand, the complement: FANCF is on the minus strand). VCF-style: chr11-22625016-G-T. GRCh37 (hg19) VCF-style: chr11-22646562-G-T.
Other names: short protein forms S265R.
Identifiers: ClinVar variation 565869 (VCV000565869.9), dbSNP rs758796858, ClinGen allele CA5924260.

ClinVar aggregate classification (germline): Uncertain significance. Review status: criteria provided, multiple submitters, no conflicts (2 of 4 stars). 2 submissions from 2 submitters: Uncertain significance (2). Last evaluated 2024-02-29.

Conditions:
Fanconi anemia complementation group F. Also called: FANCF-Related Fanconi Anemia. Identifiers: Orphanet 84, MedGen C3469526, MONDO:0011325, OMIM 603467.
Fanconi anemia (FA). Also called: Fanconi's anemia. Identifiers: Orphanet 84, MedGen C0015625, MeSH D005199, MONDO:0019391.

Allele frequency attached by ClinVar (database versions not stated): gnomAD exomes below 0.00001; ExAC 0.00001; TOPMed 0.00001.

Submissions (2):

Labcorp Genetics (formerly Invitae), Labcorp
Classification: Uncertain significance for Fanconi anemia. Last evaluated: 2024-02-29. Review status: criteria provided, single submitter. Criteria: Invitae Variant Classification Sherloc (09022015). Collection method: clinical testing. Allele origin: germline.
Comment: This sequence change replaces serine, which is neutral and polar, with arginine, which is basic and polar, at codon 265 of the FANCF protein (p.Ser265Arg). This variant is present in population databases (rs758796858, gnomAD 0.0009%). This variant has not been reported in the literature in individuals affected with FANCF-related conditions. ClinVar contains an entry for this variant (Variation ID: 565869). Advanced modeling of protein sequence and biophysical properties (such as structural, functional, and spatial information, amino acid conservation, physicochemical variation, residue mobility, and thermodynamic stability) performed at Invitae indicates that this missense variant is not expected to disrupt FANCF protein function with a negative predictive value of 80%. In summary, the available evidence is currently insufficient to determine the role of this variant in disease. Therefore, it has been classified as a Variant of Uncertain Significance.

Fulgent Genetics
Classification: Uncertain significance for Fanconi anemia complementation group F. Last evaluated: 2021-09-22. Review status: criteria provided, single submitter. Criteria: ACMG Guidelines, 2015. Collection method: clinical testing. Allele origin: unknown.